The following is an entry in ClinVar:

NM_005236.3(ERCC4):c.259C>T (p.Arg87Cys)

Gene: ERCC4 (ERCC excision repair 4, endonuclease catalytic subunit; plus strand). Cytogenetic location: 16p13.12.
Variant type: single nucleotide variant.
Coding change: c.259C>T on transcript NM_005236.3 (MANE Select); coding-DNA position 259, C replaced by T.
Protein change: p.Arg87Cys; replaces arginine 87 with cysteine.
Molecular consequence: missense variant.
Genome position (GRCh38, 1-based): chr16:13,922,082, C>T. VCF-style: chr16-13922082-C-T. GRCh37 (hg19) VCF-style: chr16-14015939-C-T.
Other names: short protein forms R87C.
Identifiers: ClinVar variation 1060885 (VCV001060885.7), dbSNP rs191886782, ClinGen allele CA278488419.

ClinVar aggregate classification (germline): Uncertain significance (1 of 4 stars; one submission).

Conditions:
Xeroderma pigmentosum, group F (XPF). Also called: XERODERMA PIGMENTOSUM, TYPE F; Xeroderma pigmentosum, type 6; ERCC4-Related Xeroderma Pigmentosum; XERODERMA PIGMENTOSUM VI; XP, GROUP F; XERODERMA PIGMENTOSUM, COMPLEMENTATION GROUP F. Identifiers: MedGen C0268140, MONDO:0010215, OMIM 278760.
Cockayne syndrome. Identifiers: Orphanet 191, MedGen C0009207, MONDO:0016006.
Fanconi anemia complementation group Q. Identifiers: Orphanet 84, MedGen C3808988, MONDO:0014108, OMIM 615272.

Allele frequency attached by ClinVar (database versions not stated): gnomAD 0.00001 and 0.00005; gnomAD exomes 0.00002; TOPMed 0.00002; 1000 Genomes Project 30x 0.00016; 1000 Genomes Project 0.00020.

Submission:

Labcorp Genetics (formerly Invitae), Labcorp
Classification: Uncertain significance for Fanconi anemia complementation group Q; Xeroderma pigmentosum, group F; Cockayne syndrome. Last evaluated: 2023-12-05. Review status: criteria provided, single submitter. Criteria: Invitae Variant Classification Sherloc (09022015). Collection method: clinical testing. Allele origin: germline.
Comment: This sequence change replaces arginine, which is basic and polar, with cysteine, which is neutral and slightly polar, at codon 87 of the ERCC4 protein (p.Arg87Cys). This variant is present in population databases (rs191886782, gnomAD 0.003%). This variant has not been reported in the literature in individuals affected with ERCC4-related conditions. ClinVar contains an entry for this variant (Variation ID: 1060885). Advanced modeling of protein sequence and biophysical properties (such as structural, functional, and spatial information, amino acid conservation, physicochemical variation, residue mobility, and thermodynamic stability) performed at Invitae indicates that this missense variant is not expected to disrupt ERCC4 protein function with a negative predictive value of 80%. In summary, the available evidence is currently insufficient to determine the role of this variant in disease. Therefore, it has been classified as a Variant of Uncertain Significance.